The following is an entry in ClinVar:

ClinVar aggregate classification (germline): Uncertain significance (1 of 4 stars; one submission).

Submission:

GeneDx
Classification: Uncertain significance. Last evaluated: 2025-07-11. Review status: criteria provided, single submitter. Criteria: GeneDx Variant Classification Process June 2021. Collection method: clinical testing. Allele origin: germline. Affected: yes.
Comment: Not observed at significant frequency in large population cohorts (gnomAD); In silico analysis supports that this missense variant has a deleterious effect on protein structure/function; Has not been previously published as pathogenic or benign to our knowledge

NM_014231.5(VAMP1):c.248C>T (p.Ala83Val)

Genes: TAPBPL (TAP binding protein like; plus strand), VAMP1 (vesicle associated membrane protein 1; minus strand). Cytogenetic location: 12p13.31.
Variant type: single nucleotide variant.
Coding change: c.248C>T on transcript NM_014231.5 (MANE Select); coding-DNA position 248, C replaced by T.
Protein change: p.Ala83Val; replaces alanine 83 with valine.
Molecular consequence: missense variant. On other transcripts: non-coding transcript variant (1).
Genome position (GRCh38, 1-based): chr12:6,465,882, G>A on the plus strand (C>T on the coding strand, the complement: VAMP1 is on the minus strand). VCF-style: chr12-6465882-G-A. GRCh37 (hg19) VCF-style: chr12-6575048-G-A.
Other names: c.248C>T, p.Ala83Val (NM_001297438.2, NM_016830.4, NM_199245.3); short protein forms A83V.
Identifiers: ClinVar variation 4685359 (VCV004685359.1).